The following is an entry in ClinVar:

NM_016553.5(NUP62):c.363C>T (p.Leu121=)

Genes: IL4I1 (interleukin 4 induced 1; minus strand), NUP62 (nucleoporin 62; minus strand). Cytogenetic location: 19q13.33.
Variant type: single nucleotide variant.
Coding change: c.363C>T on transcript NM_016553.5 (MANE Select); coding-DNA position 363, C replaced by T.
Protein change: p.Leu121=; no amino-acid change (leucine 121 retained).
Molecular consequence: synonymous variant. On other transcripts: intron variant (3).
Genome position (GRCh38, 1-based): chr19:49,909,445, G>A on the plus strand (C>T on the coding strand, the complement: NUP62 is on the minus strand). VCF-style: chr19-49909445-G-A. GRCh37 (hg19) VCF-style: chr19-50412702-G-A.
Other names: c.363C>T, p.Leu121= (NM_001193357.2, NM_012346.5, NM_153718.4 and 1 more transcripts); c.-227-5124C>T (NM_001258017.2, NM_172374.3); c.-285-5124C>T (NM_001258018.2).
Identifiers: ClinVar variation 2162464 (VCV002162464.10), dbSNP rs7252011, ClinGen allele CA9589155.
Genomic context (GRCh38, chr19:49,909,445, plus strand): 5'-CACAAAGCCGGTGGGTGCTGTGCCCTGGCTGGAGGTGACGGTGCTCGATATGGCATTAGT[G>A]AGGTTGCTGCTGCCCAGCCCAAAGCCGCTGGGGTTTGCCATGGCTGGGGTGGCAGCTGTG-3'
Protein context (NP_057637.2, residues 111-131): PSGFGLGSSN[Leu121=]TNAISSTVTS

ClinVar aggregate classification (germline): Benign/Likely benign. Review status: criteria provided, multiple submitters, no conflicts (2 of 4 stars). 2 submissions from 2 submitters: Benign (1); Likely benign (1). Last evaluated 2025-09-01.

Allele frequency attached by ClinVar (database versions not stated): gnomAD exomes 0.00005; 1000 Genomes Project 30x 0.00078; ExAC 0.00019; ESP Exome Variant Server 0.00031; gnomAD 0.00066; TOPMed 0.00066; 1000 Genomes Project 0.00080.
gnomAD v4.1: 183 of 1,614,096 alleles (0.011%); highest among the groups gnomAD compares: African/African-American, 0.22%; no homozygotes.

Submissions (2):

CeGaT Center for Human Genetics Tuebingen
Classification: Likely benign. Last evaluated: 2025-09-01. Review status: criteria provided, single submitter. Criteria: CeGaT Center For Human Genetics Tuebingen Variant Classification Criteria Version 2. Collection method: clinical testing. Allele origin: germline. Affected: yes. Observed: 1 variant allele.
Comment: NUP62: BP4, BP7

Labcorp Genetics (formerly Invitae), Labcorp
Classification: Benign. Last evaluated: 2025-05-17. Review status: criteria provided, single submitter. Criteria: Invitae Variant Classification Sherloc (09022015). Collection method: clinical testing. Allele origin: germline.